The following is an entry in ClinVar:

NM_001352754.2(ARMC9):c.2129C>T (p.Ser710Leu)

Gene: ARMC9 (armadillo repeat containing 9; plus strand). Cytogenetic location: 2q37.1.
Variant type: single nucleotide variant.
Coding change: c.2129C>T on transcript NM_001352754.2 (MANE Select); coding-DNA position 2129, C replaced by T.
Protein change: p.Ser710Leu; replaces serine 710 with leucine.
Molecular consequence: missense variant.
Genome position (GRCh38, 1-based): chr2:231,355,932, C>T. VCF-style: chr2-231355932-C-T. GRCh37 (hg19) VCF-style: chr2-232220644-C-T.
Other names: c.2129C>T, p.Ser710Leu (NM_001271466.4); short protein forms S710L.
Identifiers: ClinVar variation 2007876 (VCV002007876.4), dbSNP rs2470014375, ClinGen allele CA350957858.

ClinVar aggregate classification (germline): Uncertain significance (1 of 4 stars; one submission).

gnomAD v4.1: 1 of 1,534,974 alleles (0.000065%); highest among the groups gnomAD compares: Non-Finnish European, 0.000087%; no homozygotes.

Submission:

Labcorp Genetics (formerly Invitae), Labcorp
Classification: Uncertain significance. Last evaluated: 2022-06-18. Review status: criteria provided, single submitter. Criteria: Invitae Variant Classification Sherloc (09022015). Collection method: clinical testing. Allele origin: germline.
Comment: This variant has not been reported in the literature in individuals affected with ARMC9-related conditions. This variant is not present in population databases (gnomAD no frequency). This sequence change replaces serine, which is neutral and polar, with leucine, which is neutral and non-polar, at codon 710 of the ARMC9 protein (p.Ser710Leu). Experimental studies and prediction algorithms are not available or were not evaluated, and the functional significance of this variant is currently unknown. In summary, the available evidence is currently insufficient to determine the role of this variant in disease. Therefore, it has been classified as a Variant of Uncertain Significance.